The following is an entry in ClinVar:

ClinVar aggregate classification (germline): Uncertain significance. Review status: criteria provided, multiple submitters, no conflicts (2 of 4 stars). 2 submissions from 2 submitters: Uncertain significance (2). Last evaluated 2024-06-05.

Conditions:
Epileptic encephalopathy. Identifiers: MedGen C0543888, HP:0200134.

Allele frequency attached by ClinVar (database versions not stated): ExAC 0.00004; gnomAD exomes 0.00005 and 0.00011; gnomAD 0.00006 and 0.00007; TOPMed 0.00008.
gnomAD v4.1: 161 of 1,609,736 alleles (0.01%); highest among the groups gnomAD compares: Non-Finnish European, 0.013%; no homozygotes.

Submissions (2):

Labcorp Genetics (formerly Invitae), Labcorp
Classification: Uncertain significance for Epileptic encephalopathy. Last evaluated: 2024-06-05. Review status: criteria provided, single submitter. Criteria: Invitae Variant Classification Sherloc (09022015). Collection method: clinical testing. Allele origin: germline.
Comment: This sequence change replaces threonine, which is neutral and polar, with alanine, which is neutral and non-polar, at codon 1433 of the RYR3 protein (p.Thr1433Ala). This variant is present in population databases (rs201020040, gnomAD 0.01%). This variant has not been reported in the literature in individuals affected with RYR3-related conditions. ClinVar contains an entry for this variant (Variation ID: 941374). Advanced modeling of protein sequence and biophysical properties (such as structural, functional, and spatial information, amino acid conservation, physicochemical variation, residue mobility, and thermodynamic stability) performed at Invitae indicates that this missense variant is not expected to disrupt RYR3 protein function with a negative predictive value of 80%. In summary, the available evidence is currently insufficient to determine the role of this variant in disease. Therefore, it has been classified as a Variant of Uncertain Significance.

Ambry Genetics
Classification: Uncertain significance. Last evaluated: 2024-04-06. Review status: criteria provided, single submitter. Criteria: Ambry Variant Classification Scheme 2023. Collection method: clinical testing. Allele origin: germline.

NM_001036.6(RYR3):c.4297A>G (p.Thr1433Ala)

Gene: RYR3 (ryanodine receptor 3; plus strand). Cytogenetic location: 15q14.
Variant type: single nucleotide variant.
Coding change: c.4297A>G on transcript NM_001036.6 (MANE Select); coding-DNA position 4297, A replaced by G.
Protein change: p.Thr1433Ala; replaces threonine 1433 with alanine.
Molecular consequence: missense variant.
Genome position (GRCh38, 1-based): chr15:33,652,872, A>G. VCF-style: chr15-33652872-A-G. GRCh37 (hg19) VCF-style: chr15-33945073-A-G.
Other names: c.4297A>G, p.Thr1433Ala (NM_001243996.4); c.4297A>G (NM_001036.3); short protein forms T1433A.
Identifiers: ClinVar variation 941374 (VCV000941374.9), dbSNP rs201020040, ClinGen allele CA7458952.